The following is an entry in ClinVar:

ClinVar aggregate classification (germline): Uncertain significance. Review status: criteria provided, multiple submitters, no conflicts (2 of 4 stars). 2 submissions from 2 submitters: Uncertain significance (2). Last evaluated 2026-07-29.

Conditions:
Familial cancer of breast. Also called: Hereditary breast cancer; BREAST CANCER, FAMILIAL; hereditary breast carcinoma. Identifiers: Orphanet 227535, MedGen C0346153, MONDO:0016419, OMIM 114480. Disease mechanism: loss of function.
Hereditary cancer-predisposing syndrome. Also called: Tumor predisposition; Hereditary neoplastic syndrome; Hereditary Cancer Syndrome; Neoplastic Syndromes, Hereditary. Identifiers: Orphanet 140162, MedGen C0027672, MeSH D009386, MONDO:0015356.

Submissions (2):

Ambry Genetics
Classification: Uncertain significance for Hereditary cancer-predisposing syndrome. Last evaluated: 2026-07-29. Review status: criteria provided, single submitter. Criteria: Ambry Variant Classification Scheme 2023. Collection method: clinical testing. Allele origin: germline.
Comment: The p.D1053H variant (also known as c.3157G>C), located in coding exon 11 of the PALB2 gene, results from a G to C substitution at nucleotide position 3157. The aspartic acid at codon 1053 is replaced by histidine, an amino acid with similar properties. This amino acid position is conserved. In addition, this alteration is predicted to be tolerated by in silico analysis. Based on the available evidence, the clinical significance of this variant remains unclear.

Labcorp Genetics (formerly Invitae), Labcorp
Classification: Uncertain significance for Familial cancer of breast. Last evaluated: 2024-12-07. Review status: criteria provided, single submitter. Criteria: Invitae Variant Classification Sherloc (09022015). Collection method: clinical testing. Allele origin: germline.
Comment: This sequence change replaces aspartic acid, which is acidic and polar, with histidine, which is basic and polar, at codon 1053 of the PALB2 protein (p.Asp1053His). This variant is not present in population databases (gnomAD no frequency). This variant has not been reported in the literature in individuals affected with PALB2-related conditions. Invitae Evidence Modeling of protein sequence and biophysical properties (such as structural, functional, and spatial information, amino acid conservation, physicochemical variation, residue mobility, and thermodynamic stability) has been performed for this missense variant. However, the output from this modeling did not meet the statistical confidence thresholds required to predict the impact of this variant on PALB2 protein function. In summary, the available evidence is currently insufficient to determine the role of this variant in disease. Therefore, it has been classified as a Variant of Uncertain Significance.

NM_024675.4(PALB2):c.3157G>C (p.Asp1053His)

Gene: PALB2 (partner and localizer of BRCA2; minus strand). Cytogenetic location: 16p12.2.
Variant type: single nucleotide variant.
Coding change: c.3157G>C on transcript NM_024675.4 (MANE Select); coding-DNA position 3157, G replaced by C.
Protein change: p.Asp1053His; replaces aspartic acid 1053 with histidine.
Molecular consequence: missense variant. On other transcripts: intron variant (3).
Genome position (GRCh38, 1-based): chr16:23,614,048, C>G on the plus strand (G>C on the coding strand, the complement: PALB2 is on the minus strand). VCF-style: chr16-23614048-C-G. GRCh37 (hg19) VCF-style: chr16-23625369-C-G.
Other names: c.691G>C, p.Asp231His (NM_001407314.1); c.2228+7314G>C (NM_001407308.1, NM_001407309.1); c.3113+7314G>C (NM_001407299.1); c.3097G>C, p.Asp1033His (NM_001407296.1); c.3085G>C, p.Asp1029His (NM_001407297.1); c.2995G>C, p.Asp999His (NM_001407298.1, NM_001407302.1); c.2878G>C, p.Asp960His (NM_001407300.1); c.3157G>C, p.Asp1053His (NM_001407301.1); and 3 more; short protein forms D457H, D960H, D231H, D704H, D1029H, D1033H, D1053H, D758H.
Identifiers: ClinVar variation 3665819 (VCV003665819.3).